The following is an entry in ClinVar:

NM_001365276.2(TNXB):c.8285A>C (p.His2762Pro)

Gene: TNXB (tenascin XB; minus strand). Cytogenetic location: 6p21.33.
Variant type: single nucleotide variant.
Coding change: c.8285A>C on transcript NM_001365276.2 (MANE Select); coding-DNA position 8285, A replaced by C.
Protein change: p.His2762Pro; replaces histidine 2762 with proline.
Molecular consequence: missense variant.
Genome position (GRCh38, 1-based): chr6:32,056,033, T>G on the plus strand (A>C on the coding strand, the complement: TNXB is on the minus strand). VCF-style: chr6-32056033-T-G. GRCh37 (hg19) VCF-style: chr6-32023810-T-G.
Other names: c.8285A>C, p.His2762Pro (NM_019105.8); short protein forms H2762P.
Identifiers: ClinVar variation 1762744 (VCV001762744.2), dbSNP rs376978176, ClinGen allele CA363549352.
Genomic context (GRCh38, chr6:32,056,033, plus strand): 5'-ACACGCATCACCTGGGGCCGCCCGTCCCTGTCCTTGTACTGCACGGTGAAGGAGTCGAAG[T>G]GGCCCTGGGGGATGGTCCAGGAGAGGCTCAGCGAGTCAGGGGAGGATCCTGTCACTGTCA-3'
Protein context (NP_001352205.1, residues 2752-2772): LSLSWTIPQG[His2762Pro]FDSFTVQYKD

ClinVar aggregate classification (germline): Uncertain significance (1 of 4 stars; one submission).

Conditions:
Cardiovascular phenotype. Identifiers: MedGen CN230736.

gnomAD v4.1: 5 of 1,613,068 alleles (0.00031%); highest among the groups gnomAD compares: South Asian, 0.0044%; no homozygotes.

Submission:

Ambry Genetics
Classification: Uncertain significance for Cardiovascular phenotype. Last evaluated: 2022-03-21. Review status: criteria provided, single submitter. Criteria: Ambry Variant Classification Scheme 2023. Collection method: clinical testing. Allele origin: germline.
Comment: The p.H2762P variant (also known as c.8285A>C), located in coding exon 23 of the TNXB gene, results from an A to C substitution at nucleotide position 8285. The histidine at codon 2762 is replaced by proline, an amino acid with similar properties. This amino acid position is conserved. In addition, this alteration is predicted to be tolerated by in silico analysis. Since supporting evidence is limited at this time, the clinical significance of this alteration remains unclear.